The following is an entry in ClinVar:

NM_024426.6(WT1):c.842G>C (p.Ser281Thr)

Gene: WT1 (WT1 transcription factor; minus strand). Cytogenetic location: 11p13.
Variant type: single nucleotide variant.
Coding change: c.842G>C on transcript NM_024426.6 (MANE Select); coding-DNA position 842, G replaced by C.
Protein change: p.Ser281Thr; replaces serine 281 with threonine.
Molecular consequence: missense variant. On other transcripts: non-coding transcript variant (2).
Genome position (GRCh38, 1-based): chr11:32,428,001, C>G on the plus strand (G>C on the coding strand, the complement: WT1 is on the minus strand). VCF-style: chr11-32428001-C-G. GRCh37 (hg19) VCF-style: chr11-32449547-C-G.
Other names: c.842G>C, p.Ser281Thr (NM_000378.6, NM_001407044.1, NM_001407045.1 and 4 more transcripts); c.191G>C, p.Ser64Thr (NM_001198551.2, NM_001198552.2); c.719G>C, p.Ser240Thr (NM_001407047.1, NM_001407050.1); c.80G>C, p.Ser27Thr (NM_001407051.1); c.827G>C, p.Ser276Thr (NM_024425.2); short protein forms S281T, S27T, S64T, S276T, S240T.
Identifiers: ClinVar variation 2939011 (VCV002939011.3), dbSNP rs1004139514, ClinGen allele CA379962959.

ClinVar aggregate classification (germline): Uncertain significance (1 of 4 stars; one submission).

Conditions:
Frasier syndrome. Identifiers: Orphanet 347, MedGen C0950122, MeSH D052159, MONDO:0007635, OMIM 136680.
Drash syndrome (DDS). Also called: NEPHROPATHY, WILMS TUMOR, AND GENITAL ANOMALIES; WILMS TUMOR AND PSEUDO- OR TRUE HERMAPHRODITISM. Identifiers: Orphanet 220, MedGen C0950121, MONDO:0008682, OMIM 194080.
Wilms tumor 1 (WT1). Also called: Wilms tumor, somatic. Identifiers: Orphanet 654, MedGen CN033288, MONDO:0008679, OMIM 194070.
11p partial monosomy syndrome (WAGR). Also called: CHROMOSOME 11p13 DELETION SYNDROME; WAGR syndrome; WAGR Complex; WAGR Spectrum Disorder. Identifiers: Orphanet 893, MedGen C0206115, MONDO:0008681, OMIM 194072.

Allele frequency attached by ClinVar (database versions not stated): gnomAD exomes below 0.00001.
gnomAD v4.1: 1 of 1,611,772 alleles (0.000062%); highest among the groups gnomAD compares: Non-Finnish European, 0.000085%; no homozygotes.

Submission:

Labcorp Genetics (formerly Invitae), Labcorp
Classification: Uncertain significance for Wilms tumor 1; Drash syndrome; 11p partial monosomy syndrome; Frasier syndrome. Last evaluated: 2022-11-04. Review status: criteria provided, single submitter. Criteria: Invitae Variant Classification Sherloc (09022015). Collection method: clinical testing. Allele origin: germline.
Comment: In summary, the available evidence is currently insufficient to determine the role of this variant in disease. Therefore, it has been classified as a Variant of Uncertain Significance. This sequence change replaces serine, which is neutral and polar, with threonine, which is neutral and polar, at codon 276 of the WT1 protein (p.Ser276Thr). This variant is not present in population databases (gnomAD no frequency). This variant has not been reported in the literature in individuals affected with WT1-related conditions. Algorithms developed to predict the effect of missense changes on protein structure and function (SIFT, PolyPhen-2, Align-GVGD) all suggest that this variant is likely to be tolerated.